The following is an entry in ClinVar:

NM_013275.6(ANKRD11):c.7309C>T (p.Pro2437Ser)

Gene: ANKRD11 (ankyrin repeat domain containing 11; minus strand). Cytogenetic location: 16q24.3.
Variant type: single nucleotide variant.
Coding change: c.7309C>T on transcript NM_013275.6 (MANE Select); coding-DNA position 7309, C replaced by T.
Protein change: p.Pro2437Ser; replaces proline 2437 with serine.
Molecular consequence: missense variant.
Genome position (GRCh38, 1-based): chr16:89,279,233, G>A on the plus strand (C>T on the coding strand, the complement: ANKRD11 is on the minus strand). VCF-style: chr16-89279233-G-A. GRCh37 (hg19) VCF-style: chr16-89345641-G-A.
Other names: c.7309C>T, p.Pro2437Ser (NM_001256182.2, NM_001256183.2); short protein forms P2437S.
Identifiers: ClinVar variation 3122624 (VCV003122624.2), dbSNP rs2544218613, ClinGen allele CA397148641.
Genomic context (GRCh38, chr16:89,279,233, plus strand): 5'-AGCACAGGATCTTGCGCTTCTCCTCGATCTTCTTCCTGATCTGCAGGTATTCGAAGTAGG[G>A]GTTGGCCCTGTCGCTGTGGTAGGGCTCGATGGCATCCAGCTTGATGGCGTCCACGATGGC-3'
Protein context (NP_037407.4, residues 2427-2447): IEPYHSDRAN[Pro2437Ser]YFEYLQIRKK

ClinVar aggregate classification (germline): Uncertain significance (1 of 4 stars; one submission).

Conditions:
Inborn genetic diseases. Identifiers: MedGen C0950123, MeSH D030342.

Submission:

Ambry Genetics
Classification: Uncertain significance for Inborn genetic diseases. Last evaluated: 2025-09-10. Review status: criteria provided, single submitter. Criteria: Ambry Variant Classification Scheme 2023. Collection method: clinical testing. Allele origin: germline.
Comment: The c.7309C>T (p.P2437S) alteration is located in exon 9 (coding exon 7) of the ANKRD11 gene. This alteration results from a C to T substitution at nucleotide position 7309, causing the proline (P) at amino acid position 2437 to be replaced by a serine (S). This variant was not reported in population-based cohorts in the Genome Aggregation Database (gnomAD). This amino acid position is highly conserved in available vertebrate species. The in silico prediction for this alteration is inconclusive. Based on insufficient or conflicting evidence, the clinical significance of this alteration remains unclear.